The following is an entry in ClinVar:

ClinVar aggregate classification (germline): Likely pathogenic (1 of 4 stars; one submission).

Conditions:
Developmental and epileptic encephalopathy 94 (DEE94). Also called: Epileptic encephalopathy, childhood-onset; CHD2-Related Neurodevelopmental Disorders. Identifiers: Orphanet 1942, Orphanet 2382, MedGen C3809278, MONDO:0014150, OMIM 615369.

Submission:

Labcorp Genetics (formerly Invitae), Labcorp
Classification: Likely pathogenic for Developmental and epileptic encephalopathy 94. Last evaluated: 2022-08-20. Review status: criteria provided, single submitter. Criteria: Invitae Variant Classification Sherloc (09022015). Collection method: clinical testing. Allele origin: germline.
Comment: Algorithms developed to predict the effect of sequence changes on RNA splicing suggest that this variant may disrupt the consensus splice site. In summary, the currently available evidence indicates that the variant is pathogenic, but additional data are needed to prove that conclusively. Therefore, this variant has been classified as Likely Pathogenic. This sequence change affects an acceptor splice site in intron 9 of the CHD2 gene. It is expected to disrupt RNA splicing. Variants that disrupt the donor or acceptor splice site typically lead to a loss of protein function (PMID: 16199547), and loss-of-function variants in CHD2 are known to be pathogenic (PMID: 23708187, 24207121). This variant is not present in population databases (gnomAD no frequency). This variant has not been reported in the literature in individuals affected with CHD2-related conditions.

Literature cited by the submitters: PubMed 16199547; PubMed 23708187; PubMed 24207121.

NM_001271.4(CHD2):c.1053-2A>C

Gene: CHD2 (chromodomain helicase DNA binding protein 2; plus strand). Cytogenetic location: 15q26.1.
Variant type: single nucleotide variant.
Coding change: c.1053-2A>C on transcript NM_001271.4 (MANE Select); the canonical splice acceptor site of the intron before coding-DNA position 1053, A replaced by C.
Molecular consequence: splice acceptor variant.
Genome position (GRCh38, 1-based): chr15:92,944,413, A>C. VCF-style: chr15-92944413-A-C. GRCh37 (hg19) VCF-style: chr15-93487643-A-C.
Other names: c.1053-2A>C (NM_001042572.3).
Identifiers: ClinVar variation 2022324 (VCV002022324.4), dbSNP rs2505451901, ClinGen allele CA393902882.